The following is an entry in ClinVar:

ClinVar aggregate classification (germline): Pathogenic/Likely pathogenic. Review status: criteria provided, multiple submitters, no conflicts (2 of 4 stars). 3 submissions from 3 submitters: Pathogenic (2); Likely pathogenic (1). Last evaluated 2023-06-20.

Conditions:
Fanconi anemia complementation group D1. Also called: BRCA2-Related Fanconi Anemia. Identifiers: Orphanet 319462, MedGen C1838457, MONDO:0011584, OMIM 605724.
Hereditary breast ovarian cancer syndrome. Also called: BRCA1- and BRCA2-Associated Hereditary Breast and Ovarian Cancer; Hereditary breast and ovarian cancer syndrome; Breast and ovarian cancer; Hereditary breast and ovarian cancer; Hereditary breast and/or ovarian cancer syndrome; Hereditary breast and ovarian cancer syndrome (HBOC). Identifiers: Orphanet 145, MedGen C0677776, MeSH D061325, MONDO:0003582. Disease mechanism: loss of function.
Hereditary cancer-predisposing syndrome. Also called: Hereditary Cancer Syndrome; Hereditary neoplastic syndrome; Neoplastic Syndromes, Hereditary; Tumor predisposition. Identifiers: Orphanet 140162, MedGen C0027672, MeSH D009386, MONDO:0015356.
Breast-ovarian cancer, familial, susceptibility to, 2 (BROVCA2). Also called: BRCA2 Hereditary Breast and Ovarian Cancer. Identifiers: Orphanet 145, MedGen C2675520, MONDO:0012933, OMIM 612555. Disease mechanism: loss of function.

Submissions (3):

Color Diagnostics, LLC DBA Color Health
Classification: Pathogenic for Hereditary cancer-predisposing syndrome. Last evaluated: 2023-06-20. Review status: criteria provided, single submitter. Criteria: ACMG Guidelines, 2015. Collection method: clinical testing. Allele origin: germline.
Comment: This variant changes 1 nucleotide in exon 11 of the BRCA2 gene, creating a premature translation stop signal. This variant is expected to result in an absent or non-functional protein product. To our knowledge, this variant has not been reported in individuals affected with BRCA2-related disorders in the literature. This variant has not been identified in the general population by the Genome Aggregation Database (gnomAD). Loss of BRCA2 function is a known mechanism of disease. Based on the available evidence, this variant is classified as Pathogenic.

Labcorp Genetics (formerly Invitae), Labcorp
Classification: Pathogenic for Hereditary breast ovarian cancer syndrome. Last evaluated: 2022-05-24. Review status: criteria provided, single submitter. Criteria: Invitae Variant Classification Sherloc (09022015). Collection method: clinical testing. Allele origin: germline.
Comment: For these reasons, this variant has been classified as Pathogenic. This variant has not been reported in the literature in individuals affected with BRCA2-related conditions. This variant is not present in population databases (gnomAD no frequency). This sequence change creates a premature translational stop signal (p.Asp1451*) in the BRCA2 gene. It is expected to result in an absent or disrupted protein product. Loss-of-function variants in BRCA2 are known to be pathogenic (PMID: 20104584).

MGZ Medical Genetics Center
Classification: Likely pathogenic for Breast-ovarian cancer, familial, susceptibility to, 2. Last evaluated: 2022-05-24. Review status: criteria provided, single submitter. Criteria: ACMG Guidelines, 2015. Collection method: clinical testing. Allele origin: germline. Affected: yes. Observed: 1 variant allele.
Comment: ACMG criteria applied: PVS1, PM2_SUP

Literature cited by the submitters: PubMed 20104584 (cited by Labcorp Genetics (formerly Invitae), Labcorp).

NM_000059.4(BRCA2):c.4350dup (p.Asp1451Ter)

Gene: BRCA2 (BRCA2 DNA repair associated; plus strand). Cytogenetic location: 13q13.1.
Variant type: Duplication.
Coding change: c.4350dup on transcript NM_000059.4 (MANE Select); coding-DNA position 4350, one base duplicated (T; older notation c.4350dupT).
Protein change: p.Asp1451Ter; replaces aspartic acid 1451 with a stop codon.
Molecular consequence: nonsense. On other transcripts: frameshift variant (2).
Genome position (GRCh38, 1-based): chr13:32,338,705, T duplicated; the last of 3 consecutive T bases (chr13:32,338,703-32,338,705); duplicating any one gives the same sequence. VCF-style (leftmost placement, unchanged base first): chr13-32338702-C-CT. GRCh37 (hg19) VCF-style: chr13-32912839-C-CT.
Other names: c.4350dup, p.Asp1451Terfs (NM_001406719.1, NM_001406720.1); short protein forms D1451*.
Identifiers: ClinVar variation 1709543 (VCV001709543.10), dbSNP rs2548528178, ClinGen allele CA2580087275.
Genomic context (GRCh38, chr13:32,338,702, plus strand): 5'-GACTGCAAGTGGGAAAAATATTAGTGTCGCCAAAGAGTCATTTAATAAAATTGTAAATTT[C>CT]TTTGATCAGAAACCAGAAGAATTGCATAACTTTTCCTTAAATTCTGAATTACATTCTGAC-3'